The following is an entry in ClinVar:

ClinVar aggregate classification (germline): Likely benign (1 of 4 stars; one submission).

Conditions:
Malignant hyperthermia, susceptibility to, 1 (MHS1). Also called: Anesthesia related hyperthermia; Malignant hyperpyrexia; Fulminating hyperpyrexia; Pharmacogenic myopathy; Malignant hyperthermia suceptibility 1; RYR1-Related Malignant Hyperthermia Susceptibility. Identifiers: Orphanet 423, MedGen C2930980, MONDO:0007783, OMIM 145600.

gnomAD v4.1: 1 of 1,613,564 alleles (0.000062%); highest among the groups gnomAD compares: Non-Finnish European, 0.000085%; no homozygotes.

Submission:

All of Us Research Program, National Institutes of Health
Classification: Likely benign for Malignant hyperthermia, susceptibility to, 1. Last evaluated: 2024-07-29. Review status: criteria provided, single submitter. Criteria: ACMG Guidelines, 2015. Collection method: clinical testing. Allele origin: germline. Inheritance: Autosomal dominant inheritance. Observed: 1 variant allele, 1 heterozygote.
Comment: This study involves interpretation of variants in research participants for the purpose of population health screening. Participant phenotype was not available at the time of variant classification. Additional details can be found in publication PMID: 35346344, PMCID: PMC8962531

NM_000540.3(RYR1):c.14512-15C>G

Gene: RYR1 (ryanodine receptor 1; plus strand). Cytogenetic location: 19q13.2.
Variant type: single nucleotide variant.
Coding change: c.14512-15C>G on transcript NM_000540.3 (MANE Select); 15 bases into the intron before coding-DNA position 14512, C replaced by G.
Molecular consequence: intron variant.
Genome position (GRCh38, 1-based): chr19:38,580,355, C>G. VCF-style: chr19-38580355-C-G. GRCh37 (hg19) VCF-style: chr19-39070995-C-G.
Other names: c.14497-15C>G (NM_001042723.2).
Identifiers: ClinVar variation 3385625 (VCV003385625.1).